The following is an entry in ClinVar:

ClinVar aggregate classification (germline): Pathogenic (1 of 4 stars; one submission).

Conditions:
LAMA2-related muscular dystrophy (LAMA2-RD). Also called: Laminin alpha 2-related dystrophy. Identifiers: MedGen C5679788, MONDO:0100228.

gnomAD v4.1: 1 of 1,613,734 alleles (0.000062%); highest among the groups gnomAD compares: Non-Finnish European, 0.000085%; no homozygotes.

Submission:

Myriad Genetics, Inc.
Classification: Pathogenic for LAMA2-related muscular dystrophy. Last evaluated: 2026-01-20. Review status: criteria provided, single submitter. Criteria: Myriad Autosomal Dominant, Autosomal Recessive and X-Linked Classification Criteria (2023). Collection method: clinical testing. Allele origin: unknown.
Comment: NM_000426.3(LAMA2):c.5422C>T(Q1808*) is expected to be pathogenic in the context of muscular dystrophy, LAMA2-related. This variant is predicted to lead to an abnormal or absent protein product due to the creation of a premature termination codon in LAMA2, a gene where loss-of-function variants are known to be pathogenic. Please note: this variant was assessed in the context of healthy population screening.

NM_000426.4(LAMA2):c.5422C>T (p.Gln1808Ter)

Gene: LAMA2 (laminin subunit alpha 2; plus strand). Cytogenetic location: 6q22.33.
Variant type: single nucleotide variant.
Coding change: c.5422C>T on transcript NM_000426.4 (MANE Select); coding-DNA position 5422, C replaced by T.
Protein change: p.Gln1808Ter; replaces glutamine 1808 with a stop codon.
Molecular consequence: nonsense.
Genome position (GRCh38, 1-based): chr6:129,393,232, C>T. VCF-style: chr6-129393232-C-T. GRCh37 (hg19) VCF-style: chr6-129714377-C-T.
Other names: c.5422C>T, p.Gln1808Ter (NM_001079823.2); short protein forms Q1808*.
Identifiers: ClinVar variation 5015454 (VCV005015454.1).